The following is an entry in ClinVar:

NM_024675.4(PALB2):c.734_735dup (p.Thr246fs)

Gene: PALB2 (partner and localizer of BRCA2; minus strand). Cytogenetic location: 16p12.2.
Variant type: Duplication.
Coding change: c.734_735dup on transcript NM_024675.4 (MANE Select); coding-DNA positions 734 to 735, 2 bases duplicated (CG; older notation c.734_735dupCG).
Protein change: p.Thr246fs; shifts the reading frame from threonine 246.
Molecular consequence: frameshift variant.
Genome position (GRCh38, 1-based): chr16:23,635,811-23,635,812, CG duplicated on the plus strand (CG on the coding strand, the reverse complement: PALB2 is on the minus strand); duplicating any 2 consecutive bases within chr16:23,635,811-23,635,813 gives the same sequence; the c. name uses the placement nearest the transcript's 3' end. VCF-style (leftmost placement, unchanged base first): chr16-23635810-T-TCG. GRCh37 (hg19) VCF-style: chr16-23647131-T-TCG.
Other names: c.734_735dupCG (NM_024675.3); short protein forms T246fs.
Identifiers: ClinVar variation 486008 (VCV000486008.7), dbSNP rs749731838, ClinGen allele CA7963765.

ClinVar aggregate classification (germline): Pathogenic. Review status: criteria provided, multiple submitters, no conflicts (2 of 4 stars). 2 submissions from 2 submitters: Pathogenic (2). Last evaluated 2025-01-08.

Conditions:
Hereditary cancer-predisposing syndrome. Also called: Tumor predisposition; Hereditary Cancer Syndrome; Hereditary neoplastic syndrome; Neoplastic Syndromes, Hereditary. Identifiers: Orphanet 140162, MedGen C0027672, MeSH D009386, MONDO:0015356.
Familial cancer of breast. Also called: hereditary breast carcinoma; BREAST CANCER, FAMILIAL; Hereditary breast cancer. Identifiers: Orphanet 227535, MedGen C0346153, MONDO:0016419, OMIM 114480. Disease mechanism: loss of function.

Submissions (2):

Ambry Genetics
Classification: Pathogenic for Hereditary cancer-predisposing syndrome. Last evaluated: 2025-01-08. Review status: criteria provided, single submitter. Criteria: Ambry Variant Classification Scheme 2023. Collection method: clinical testing. Allele origin: germline.
Comment: The c.734_735dupCG pathogenic mutation, located in coding exon 4 of the PALB2 gene, results from a duplication of CG at nucleotide position 734, causing a translational frameshift with a predicted alternate stop codon (p.T246Rfs*34). This alteration is expected to result in loss of function by premature protein truncation or nonsense-mediated mRNA decay. As such, this alteration is interpreted as a disease-causing mutation.

Myriad Genetics, Inc.
Classification: Pathogenic for Familial cancer of breast. Last evaluated: 2023-09-07. Review status: criteria provided, single submitter. Criteria: Myriad Autosomal Dominant, Autosomal Recessive and X-Linked Classification Criteria (2023). Collection method: clinical testing. Allele origin: unknown.
Comment: This variant is considered pathogenic. This variant creates a frameshift predicted to result in premature protein truncation.